The following is an entry in ClinVar:

NM_014975.3(MAST1):c.23C>T (p.Ala8Val)

Genes: MAST1 (microtubule associated serine/threonine kinase 1; plus strand), LOC130063671 (ATAC-STARR-seq lymphoblastoid silent region 10178; plus strand). Cytogenetic location: 19p13.13.
Variant type: single nucleotide variant.
Coding change: c.23C>T on transcript NM_014975.3 (MANE Select); coding-DNA position 23, C replaced by T.
Protein change: p.Ala8Val; replaces alanine 8 with valine.
Molecular consequence: missense variant.
Genome position (GRCh38, 1-based): chr19:12,838,595, C>T. VCF-style: chr19-12838595-C-T. GRCh37 (hg19) VCF-style: chr19-12949409-C-T.
Other names: short protein forms A8V.
Identifiers: ClinVar variation 3652945 (VCV003652945.2).

ClinVar aggregate classification (germline): Uncertain significance (1 of 4 stars; one submission).

Submission:

Labcorp Genetics (formerly Invitae), Labcorp
Classification: Uncertain significance. Last evaluated: 2024-05-17. Review status: criteria provided, single submitter. Criteria: Invitae Variant Classification Sherloc (09022015). Collection method: clinical testing. Allele origin: germline.
Comment: This sequence change replaces alanine, which is neutral and non-polar, with valine, which is neutral and non-polar, at codon 8 of the MAST1 protein (p.Ala8Val). This variant is not present in population databases (gnomAD no frequency). This variant has not been reported in the literature in individuals affected with MAST1-related conditions. Algorithms developed to predict the effect of missense changes on protein structure and function output the following: SIFT: "Not Available"; PolyPhen-2: "Benign"; Align-GVGD: "Not Available". The valine amino acid residue is found in multiple mammalian species, which suggests that this missense change does not adversely affect protein function. In summary, the available evidence is currently insufficient to determine the role of this variant in disease. Therefore, it has been classified as a Variant of Uncertain Significance.